The following is an entry in ClinVar:

ClinVar aggregate classification (germline): Likely benign (0 of 4 stars; one submission).

Conditions:
NPHP3-related disorder. Also called: NPHP3-related disorders; NPHP3-related condition. Identifiers: MedGen CN379163.

Submission:

PreventionGenetics, part of Exact Sciences
Classification: Likely benign for NPHP3-related condition. Last evaluated: 2024-05-23. Review status: no assertion criteria provided. Collection method: clinical testing. Allele origin: germline.
Comment: This variant is classified as likely benign based on ACMG/AMP sequence variant interpretation guidelines (Richards et al. 2015 PMID: 25741868, with internal and published modifications).

NM_153240.5(NPHP3):c.2171+8_2171+10del

Genes: NPHP3 (nephrocystin 3; minus strand), NPHP3-ACAD11 (NPHP3-ACAD11 readthrough (NMD candidate); minus strand). Cytogenetic location: 3q22.1.
Variant type: Microsatellite.
Coding change: c.2171+8_2171+10del on transcript NM_153240.5 (MANE Select); bases 8 to 10 of the intron after coding-DNA position 2171, 3 bases deleted (GTG; older notation c.2171+8_2171+10delGTG).
Molecular consequence: intron variant.
Genome position (GRCh38, 1-based): chr3:132,696,721-132,696,723, CAC deleted on the plus strand (GTG on the coding strand, the reverse complement: NPHP3 is on the minus strand); deleting any 3 consecutive bases within chr3:132,696,721-132,696,726 gives the same sequence; the c. name uses the placement nearest the transcript's 3' end. VCF-style (leftmost placement, unchanged base first): chr3-132696720-TCAC-T. GRCh37 (hg19) VCF-style: chr3-132415564-TCAC-T.
Identifiers: ClinVar variation 3354789 (VCV003354789.1).